The following is an entry in ClinVar:

NM_001059.3(TACR3):c.278G>A (p.Gly93Asp)

Gene: TACR3 (tachykinin receptor 3; minus strand). Cytogenetic location: 4q24.
Variant type: single nucleotide variant.
Coding change: c.278G>A on transcript NM_001059.3 (MANE Select); coding-DNA position 278, G replaced by A.
Protein change: p.Gly93Asp; replaces glycine 93 with aspartic acid.
Molecular consequence: missense variant.
Genome position (GRCh38, 1-based): chr4:103,719,398, C>T on the plus strand (G>A on the coding strand, the complement: TACR3 is on the minus strand). VCF-style: chr4-103719398-C-T. GRCh37 (hg19) VCF-style: chr4-104640555-C-T.
Other names: short protein forms G93D.
Identifiers: ClinVar variation 14025 (VCV000014025.1), dbSNP rs121918124, ClinGen allele CA130193.

ClinVar aggregate classification (germline): Pathogenic. Review status: no assertion criteria provided (0 of 4 stars). 2 submissions from 2 submitters: Pathogenic (1). 1 of the submissions does not count toward it. Last evaluated 2009-03-01.

Conditions:
Hypogonadotropic hypogonadism 11 with or without anosmia (HH11). Also called: HYPOGONADOTROPIC HYPOGONADISM 11 WITHOUT ANOSMIA; TACR3-Related GnRH Deficiency. Identifiers: Orphanet 478, MedGen C3553844, MONDO:0013913, OMIM 614840.

Allele frequency attached by ClinVar (database versions not stated): TOPMed below 0.00001; gnomAD 0.00001.
gnomAD v4.1: 1 of 1,614,120 alleles (0.000062%); highest among the groups gnomAD compares: African/African-American, 0.0013%; no homozygotes.

Submissions (2):

OMIM
Classification: Pathogenic for HYPOGONADOTROPIC HYPOGONADISM 11 WITHOUT ANOSMIA. Last evaluated: 2009-03-01. Review status: no assertion criteria provided. Collection method: literature only. Allele origin: germline.

UniProtKB/Swiss-Prot
No classification provided. Review status: no classification provided. Collection method: not provided. Allele origin: unknown. Not counted in ClinVar's aggregate classification.
Comment: Results in impaired receptor signaling

Literature cited by the submitters: PubMed 19079066 (cited by OMIM).